The following is an entry in ClinVar:

NM_001034853.2(RPGR):c.2784_2789del (p.928GE[2])

Gene: RPGR (retinitis pigmentosa GTPase regulator; minus strand). Cytogenetic location: Xp11.4.
Variant type: Deletion.
Coding change: c.2784_2789del on transcript NM_001034853.2 (MANE Select); coding-DNA positions 2784 to 2789, 6 bases deleted (AGAAGG; older notation c.2784_2789delAGAAGG).
Protein change: p.928GE[2].
Molecular consequence: inframe deletion. On other transcripts: intron variant (8).
Genome position (GRCh38, 1-based): chrX:38,286,210-38,286,215, CCTTCT deleted on the plus strand (AGAAGG on the coding strand, the reverse complement: RPGR is on the minus strand); deleting any 6 consecutive bases within chrX:38,286,210-38,286,220 gives the same sequence; the c. name uses the placement nearest the transcript's 3' end. VCF-style (leftmost placement, unchanged base first): chrX-38286209-CCCTTCT-C. GRCh37 (hg19) VCF-style: chrX-38145462-CCCTTCT-C.
Other names: c.1569+4744_1569+4749del (NM_001367249.1, NM_001367250.1); c.1902+879_1902+884del (NM_001367245.1); c.1386+4744_1386+4749del (NM_001367251.1); c.1719+879_1719+884del (NM_001367246.1); c.1572+4744_1572+4749del (NM_001367247.1); c.1905+879_1905+884del (NM_000328.3); c.1602+4744_1602+4749del (NM_001367248.1).
Identifiers: ClinVar variation 2727900 (VCV002727900.3), dbSNP rs1384304050, ClinGen allele CA640957198.

ClinVar aggregate classification (germline): Uncertain significance (1 of 4 stars; one submission).

Conditions:
Primary ciliary dyskinesia. Also called: Ciliary dyskinesia. Identifiers: Orphanet 244, MedGen C0008780, MONDO:0016575, HP:0012265.

Submission:

Labcorp Genetics (formerly Invitae), Labcorp
Classification: Uncertain significance for Primary ciliary dyskinesia. Last evaluated: 2023-05-28. Review status: criteria provided, single submitter. Criteria: Invitae Variant Classification Sherloc (09022015). Collection method: clinical testing. Allele origin: germline.
Comment: In summary, the available evidence is currently insufficient to determine the role of this variant in disease. Therefore, it has been classified as a Variant of Uncertain Significance. Experimental studies and prediction algorithms are not available or were not evaluated, and the functional significance of this variant is currently unknown. This variant has not been reported in the literature in individuals affected with RPGR (ORF15)-related conditions. The frequency data for this variant in the population databases is considered unreliable, as metrics indicate poor data quality at this position in the gnomAD database. This variant, c.2784_2789del, results in the deletion of 2 amino acid(s) of the RPGR (ORF15) protein (p.Gly932_Glu933del), but otherwise preserves the integrity of the reading frame.